The following is an entry in ClinVar:

NM_001081.4(CUBN):c.8967C>A (p.Ser2989Arg)

Gene: CUBN (cubilin; minus strand). Cytogenetic location: 10p13.
Variant type: single nucleotide variant.
Coding change: c.8967C>A on transcript NM_001081.4 (MANE Select); coding-DNA position 8967, C replaced by A.
Protein change: p.Ser2989Arg; replaces serine 2989 with arginine.
Molecular consequence: missense variant.
Genome position (GRCh38, 1-based): chr10:16,877,036, G>T on the plus strand (C>A on the coding strand, the complement: CUBN is on the minus strand). VCF-style: chr10-16877036-G-T. GRCh37 (hg19) VCF-style: chr10-16919035-G-T.
Other names: short protein forms S2989R.
Identifiers: ClinVar variation 1430456 (VCV001430456.5), dbSNP rs560485793, ClinGen allele CA5422847.

ClinVar aggregate classification (germline): Uncertain significance (1 of 4 stars; one submission).

Conditions:
Imerslund-Grasbeck syndrome. Also called: Megaloblastic anemia due to inborn errors of metabolism; Imerslund-Gräsbeck syndrome; ENTEROCYTE COBALAMIN MALABSORPTION; ENTEROCYTE INTRINSIC FACTOR RECEPTOR, DEFECT OF; PERNICIOUS ANEMIA, JUVENILE, DUE TO SELECTIVE INTESTINAL MALABSORPTION OF VITAMIN B12, WITH PROTEINURIA. Identifiers: Orphanet 35858, MedGen C4551825, MONDO:0009853.

gnomAD v4.1: 20 of 1,613,994 alleles (0.0012%); highest among the groups gnomAD compares: Non-Finnish European, 0.0016%; no homozygotes.

Submission:

Labcorp Genetics (formerly Invitae), Labcorp
Classification: Uncertain significance for Imerslund-Grasbeck syndrome. Last evaluated: 2022-09-27. Review status: criteria provided, single submitter. Criteria: Invitae Variant Classification Sherloc (09022015). Collection method: clinical testing. Allele origin: germline.
Comment: This sequence change replaces serine, which is neutral and polar, with arginine, which is basic and polar, at codon 2989 of the CUBN protein (p.Ser2989Arg). This variant is present in population databases (rs560485793, gnomAD 0.002%). This variant has not been reported in the literature in individuals affected with CUBN-related conditions. ClinVar contains an entry for this variant (Variation ID: 1430456). Advanced modeling of protein sequence and biophysical properties (such as structural, functional, and spatial information, amino acid conservation, physicochemical variation, residue mobility, and thermodynamic stability) performed at Invitae indicates that this missense variant is not expected to disrupt CUBN protein function. In summary, the available evidence is currently insufficient to determine the role of this variant in disease. Therefore, it has been classified as a Variant of Uncertain Significance.